The following is an entry in ClinVar:

NM_174934.4(SCN4B):c.629A>G (p.Asn210Ser)

Gene: SCN4B (sodium voltage-gated channel beta subunit 4; minus strand). Cytogenetic location: 11q23.3.
Variant type: single nucleotide variant.
Coding change: c.629A>G on transcript NM_174934.4 (MANE Select); coding-DNA position 629, A replaced by G.
Protein change: p.Asn210Ser; replaces asparagine 210 with serine.
Molecular consequence: missense variant. On other transcripts: non-coding transcript variant (1).
Genome position (GRCh38, 1-based): chr11:118,137,085, T>C on the plus strand (A>G on the coding strand, the complement: SCN4B is on the minus strand). VCF-style: chr11-118137085-T-C. GRCh37 (hg19) VCF-style: chr11-118007800-T-C.
Other names: c.227A>G, p.Asn76Ser (NM_001142348.2); c.299A>G, p.Asn100Ser (NM_001142349.2); short protein forms N100S, N210S, N76S.
Identifiers: ClinVar variation 4841415 (VCV004841415.1).

ClinVar aggregate classification (germline): Uncertain significance (1 of 4 stars; one submission).

Conditions:
Cardiovascular phenotype. Identifiers: MedGen CN230736.

gnomAD v4.1: 1 of 1,613,966 alleles (0.000062%); highest among the groups gnomAD compares: Non-Finnish European, 0.000085%; no homozygotes.

Submission:

Ambry Genetics
Classification: Uncertain significance for Cardiovascular phenotype. Last evaluated: 2025-12-19. Review status: criteria provided, single submitter. Criteria: Ambry Variant Classification Scheme 2023. Collection method: clinical testing. Allele origin: germline.
Comment: The p.N210S variant (also known as c.629A>G), located in coding exon 5 of the SCN4B gene, results from an A to G substitution at nucleotide position 629. The asparagine at codon 210 is replaced by serine, an amino acid with highly similar properties. This amino acid position is conserved. In addition, the in silico prediction for this alteration is inconclusive. Based on the available evidence, the clinical significance of this variant remains unclear.